The following is an entry in ClinVar:

ClinVar aggregate classification (germline): Uncertain significance. Review status: criteria provided, multiple submitters, no conflicts (2 of 4 stars). 4 submissions from 4 submitters: Uncertain significance (4). Last evaluated 2024-05-14.

Conditions:
Cardiomyopathy (CMYO). Also called: Cardiomyopathies. Identifiers: Orphanet 167848, MedGen C0878544, MONDO:0004994, HP:0001638. Inheritance: Various modes of inheritance.
Cardiovascular phenotype. Identifiers: MedGen CN230736.
Hypertrophic cardiomyopathy. Also called: HYPERTROPHIC MYOCARDIOPATHY. Identifiers: Orphanet 217569, MedGen C0007194, MeSH D002312, MONDO:0005045, HP:0001639.

Submissions (4):

All of Us Research Program, National Institutes of Health
Classification: Uncertain significance for Hypertrophic cardiomyopathy. Last evaluated: 2024-05-14. Review status: criteria provided, single submitter. Criteria: ACMG Guidelines, 2015. Collection method: clinical testing. Allele origin: germline. Inheritance: Autosomal dominant inheritance. Observed: 1 variant allele, 1 heterozygote.
Comment: This missense variant replaces arginine with threonine at codon 302 of the MYBPC3 protein. Computational prediction tools indicate that this variant has a neutral impact on protein structure and function. However, this variant causes a G>C nucleotide substitution at the last nucleotide of exon 9 of the MYBPC3 gene, and splice site prediction tools suggest that this variant may impact RNA splicing. To our knowledge, functional studies have not been reported for this variant. This variant has not been reported in individuals affected with MYBPC3-related disorders in the literature. This variant has not been identified in the general population by the Genome Aggregation Database (gnomAD). The available evidence is insufficient to determine the role of this variant in disease conclusively. Therefore, this variant is classified as a Variant of Uncertain Significance.

This study involves interpretation of variants in research participants for the purpose of population health screening. Participant phenotype was not available at the time of variant classification. Additional details can be found in publication PMID: 35346344, PMCID: PMC8962531

Color Diagnostics, LLC DBA Color Health
Classification: Uncertain significance for Cardiomyopathy. Last evaluated: 2024-04-26. Review status: criteria provided, single submitter. Criteria: ACMG Guidelines, 2015. Collection method: clinical testing. Allele origin: germline.
Comment: This missense variant replaces arginine with threonine at codon 302 of the MYBPC3 protein. Computational prediction tools indicate that this variant has a neutral impact on protein structure and function. However, this variant causes a G>C nucleotide substitution at the last nucleotide of exon 9 of the MYBPC3 gene, and splice site prediction tools suggest that this variant may impact RNA splicing. To our knowledge, functional studies have not been reported for this variant. This variant has not been reported in individuals affected with MYBPC3-related disorders in the literature. This variant has not been identified in the general population by the Genome Aggregation Database (gnomAD). The available evidence is insufficient to determine the role of this variant in disease conclusively. Therefore, this variant is classified as a Variant of Uncertain Significance.

Labcorp Genetics (formerly Invitae), Labcorp
Classification: Uncertain significance for Hypertrophic cardiomyopathy. Last evaluated: 2024-01-05. Review status: criteria provided, single submitter. Criteria: Invitae Variant Classification Sherloc (09022015). Collection method: clinical testing. Allele origin: germline.
Comment: This sequence change replaces arginine, which is basic and polar, with threonine, which is neutral and polar, at codon 302 of the MYBPC3 protein (p.Arg302Thr). This variant also falls at the last nucleotide of exon 9, which is part of the consensus splice site for this exon. This variant is not present in population databases (gnomAD no frequency). This variant has not been reported in the literature in individuals affected with MYBPC3-related conditions. ClinVar contains an entry for this variant (Variation ID: 1332067). An algorithm developed to predict the effect of missense changes on protein structure and function (PolyPhen-2) suggests that this variant is likely to be tolerated. Variants that disrupt the consensus splice site are a relatively common cause of aberrant splicing (PMID: 17576681, 9536098). Algorithms developed to predict the effect of sequence changes on RNA splicing suggest that this variant may disrupt the consensus splice site. In summary, the available evidence is currently insufficient to determine the role of this variant in disease. Therefore, it has been classified as a Variant of Uncertain Significance.

Ambry Genetics
Classification: Uncertain significance for Cardiovascular phenotype. Last evaluated: 2019-03-01. Review status: criteria provided, single submitter. Criteria: Ambry Variant Classification Scheme 2023. Collection method: clinical testing. Allele origin: germline.
Comment: The p.R302T variant (also known as c.905G>C), located in coding exon 9 of the MYBPC3 gene, results from a G to C substitution at nucleotide position 905. This change occurs in the last base pair of coding exon 9, which makes it likely to have some effect on normal mRNA splicing. In addition to potential splicing impact, this alteration changes the amino acid arginine at codon 302 to threonine, an amino acid with similar properties. Both the nucleotide and amino acid positions are highly conserved in available vertebrate species. Using two different splice site prediction tools, this alteration is predicted by ESEfinder to weaken the efficiency of the native splice donor site, but is not predicted to have a deleterious effect on this splice donor site by BDGP; however, direct evidence is unavailable. In addition, the amino acid change is predicted to be probably damaging and deleterious by PolyPhen and SIFT in silico analyses, respectively. Since supporting evidence is limited at this time, the clinical significance of this alteration remains unclear.

Literature cited by the submitters: PubMed 17576681 (cited by Labcorp Genetics (formerly Invitae), Labcorp); PubMed 9536098 (cited by Labcorp Genetics (formerly Invitae), Labcorp).

NM_000256.3(MYBPC3):c.905G>C (p.Arg302Thr)

Gene: MYBPC3 (myosin binding protein C3; minus strand). Cytogenetic location: 11p11.2.
Variant type: single nucleotide variant.
Coding change: c.905G>C on transcript NM_000256.3 (MANE Select); coding-DNA position 905, G replaced by C.
Protein change: p.Arg302Thr; replaces arginine 302 with threonine.
Molecular consequence: missense variant.
Genome position (GRCh38, 1-based): chr11:47,347,426, C>G on the plus strand (G>C on the coding strand, the complement: MYBPC3 is on the minus strand). VCF-style: chr11-47347426-C-G. GRCh37 (hg19) VCF-style: chr11-47368977-C-G.
Other names: short protein forms R302T.
Identifiers: ClinVar variation 1332067 (VCV001332067.9), dbSNP rs1414396886, ClinGen allele CA380333179.
Genomic context (GRCh38, chr11:47,347,426, plus strand): 5'-GTGCTGGGATTTGGAGCCAGGCCTCACCAGCTGCCCCAGGAACTGCCACCCAGGACTCAC[C>G]TCTTTTTCAGCAGTGAGCTGAAGTCCAGAATCCCAGTGTCCTCATGGCTATCACTATGGA-3'
Protein context (NP_000247.2, residues 292-312): ILDFSSLLKK[Arg302Thr]DSFRTPRDSK